The following is an entry in ClinVar:

GRCh37/hg19 1q42.13-43(chr1:230231959-238032346)x1

Genes: ACTN2 (actinin alpha 2; plus strand), AGT (angiotensinogen; minus strand), ARID4B (AT-rich interaction domain 4B; minus strand), ARV1 (ARV1 homolog, fatty acid homeostasis modulator; plus strand), B3GALNT2 (beta-1,3-N-acetylgalactosaminyltransferase 2; minus strand) and 42 more. Cytogenetic location: 1q42.13-43.
Variant type: copy number loss.
Change: copy number 1 (one copy instead of two) of chr1:230,231,959-238,032,346 (7.80 Mb, GRCh37 coordinates, 1-based), cytogenetic band 1q42.13-43.
Identifiers: ClinVar variation 2685865 (VCV002685865.1).

ClinVar aggregate classification (germline): Pathogenic (1 of 4 stars; one submission).

Submission:

Quest Diagnostics Nichols Institute San Juan Capistrano
Classification: Pathogenic. Last evaluated: 2022-07-18. Review status: criteria provided, single submitter. Criteria: ACMG/ClinGen CNV Guidelines, 2019. Collection method: clinical testing. Allele origin: unknown.
Comment: This deletion involves 48 protein-coding genes. A patient with a similar 1q42.13q43 deletion has been reported (J AAPOS. 2007 Feb;11(1):62-4. PMID: 17126050). A smaller deletion of 1q42.1q42.3 was reported in another patient with developmental delay (Am J Med Genet. 2001 Jan 1;98(1):103-6. PMID: 11426447). It is possible that this deletion may cause overlapping phenotypes to the 1q41q42 deletion syndrome. In addition, there are no similar deletions reported in the general population in the Database of Genomic Variants (DGV). Based on the gene content and review of the medical literature, this deletion is classified as a pathogenic copy number variant.